The following is an entry in ClinVar:

ClinVar aggregate classification (germline): Uncertain significance. Review status: criteria provided, multiple submitters, no conflicts (2 of 4 stars). 4 submissions from 4 submitters: Uncertain significance (4). Last evaluated 2025-04-09.

Conditions:
Cardiovascular phenotype. Identifiers: MedGen CN230736.
Hypertrophic cardiomyopathy 17. Identifiers: MedGen C3151264, MONDO:0013474, OMIM 613873.
Cardiomyopathy, dilated, 2E. Identifiers: MedGen C5561970, MONDO:0030366, OMIM 619492.
Hypertrophic cardiomyopathy. Also called: HYPERTROPHIC MYOCARDIOPATHY. Identifiers: Orphanet 217569, MedGen C0007194, MeSH D002312, MONDO:0005045, HP:0001639.

Allele frequency attached by ClinVar (database versions not stated): gnomAD exomes below 0.00001; TOPMed 0.00003; gnomAD 0.00005 and 0.00006.
gnomAD v4.1: 13 of 1,390,288 alleles (0.00094%); highest among the groups gnomAD compares: African/African-American, 0.015%; no homozygotes.

Submissions (4):

Molecular Diagnostic Laboratory for Inherited Cardiovascular Disease, Montreal Heart Institute
Classification: Uncertain significance for Cardiovascular phenotype. Last evaluated: 2025-04-09. Review status: criteria provided, single submitter. Criteria: ACMG Guidelines, 2015. Collection method: clinical testing. Allele origin: germline. Affected: yes.

Labcorp Genetics (formerly Invitae), Labcorp
Classification: Uncertain significance for Hypertrophic cardiomyopathy. Last evaluated: 2025-02-03. Review status: criteria provided, single submitter. Criteria: Invitae Variant Classification Sherloc (09022015). Collection method: clinical testing. Allele origin: germline.
Comment: This sequence change replaces arginine, which is basic and polar, with tryptophan, which is neutral and slightly polar, at codon 496 of the JPH2 protein (p.Arg496Trp). This variant is present in population databases (no rsID available, gnomAD 0.03%). This variant has not been reported in the literature in individuals affected with JPH2-related conditions. ClinVar contains an entry for this variant (Variation ID: 216709). An algorithm developed to predict the effect of missense changes on protein structure and function (PolyPhen-2) suggests that this variant is likely to be disruptive. In summary, the available evidence is currently insufficient to determine the role of this variant in disease. Therefore, it has been classified as a Variant of Uncertain Significance.

Fulgent Genetics
Classification: Uncertain significance for Hypertrophic cardiomyopathy 17; Cardiomyopathy, dilated, 2E. Last evaluated: 2024-06-05. Review status: criteria provided, single submitter. Criteria: ACMG Guidelines, 2015. Collection method: clinical testing. Allele origin: germline.

Ambry Genetics
Classification: Uncertain significance for Cardiovascular phenotype. Last evaluated: 2023-12-10. Review status: criteria provided, single submitter. Criteria: Ambry Variant Classification Scheme 2023. Collection method: clinical testing. Allele origin: germline.
Comment: The p.R496W variant (also known as c.1486C>T), located in coding exon 4 of the JPH2 gene, results from a C to T substitution at nucleotide position 1486. The arginine at codon 496 is replaced by tryptophan, an amino acid with dissimilar properties. This amino acid position is well conserved in available vertebrate species; however, tryptophan is the reference amino acid in other vertebrate species. In addition, this alteration is predicted to be tolerated by in silico analysis. Since supporting evidence is limited at this time, the clinical significance of this alteration remains unclear.

NM_020433.5(JPH2):c.1486C>T (p.Arg496Trp)

Gene: JPH2 (junctophilin 2; minus strand). Cytogenetic location: 20q13.12.
Variant type: single nucleotide variant.
Coding change: c.1486C>T on transcript NM_020433.5 (MANE Select); coding-DNA position 1486, C replaced by T.
Protein change: p.Arg496Trp; replaces arginine 496 with tryptophan.
Molecular consequence: missense variant.
Genome position (GRCh38, 1-based): chr20:44,116,189, G>A on the plus strand (C>T on the coding strand, the complement: JPH2 is on the minus strand). VCF-style: chr20-44116189-G-A. GRCh37 (hg19) VCF-style: chr20-42744829-G-A.
Other names: short protein forms R496W.
Identifiers: ClinVar variation 216709 (VCV000216709.13), dbSNP rs863224775, ClinGen allele CA338629.